The following is an entry in ClinVar:

NM_139076.3(ABRAXAS1):c.359A>G (p.Asn120Ser)

Gene: ABRAXAS1 (abraxas 1, BRCA1 A complex subunit; minus strand). Cytogenetic location: 4q21.23.
Variant type: single nucleotide variant.
Coding change: c.359A>G on transcript NM_139076.3 (MANE Select); coding-DNA position 359, A replaced by G.
Protein change: p.Asn120Ser; replaces asparagine 120 with serine.
Molecular consequence: missense variant.
Genome position (GRCh38, 1-based): chr4:83,470,320, T>C on the plus strand (A>G on the coding strand, the complement: ABRAXAS1 is on the minus strand). VCF-style: chr4-83470320-T-C. GRCh37 (hg19) VCF-style: chr4-84391473-T-C.
Other names: c.32A>G, p.Asn11Ser (NM_001345962.2); short protein forms N11S, N120S.
Identifiers: ClinVar variation 4864755 (VCV004864755.1).

ClinVar aggregate classification (germline): Uncertain significance (1 of 4 stars; one submission).

Submission:

Ambry Genetics
Classification: Uncertain significance. Last evaluated: 2026-04-13. Review status: criteria provided, single submitter. Criteria: Ambry Variant Classification Scheme 2023. Collection method: clinical testing. Allele origin: germline.
Comment: The p.N120S variant (also known as c.359A>G), located in coding exon 5 of the FAM175A gene, results from an A to G substitution at nucleotide position 359. The asparagine at codon 120 is replaced by serine, an amino acid with highly similar properties. This amino acid position is conserved. In addition, this alteration is predicted to be tolerated by in silico analysis. Based on the available evidence, the clinical significance of this variant remains unclear.